The following is an entry in ClinVar:

NM_001607.4(ACAA1):c.6G>A (p.Gln2=)

Gene: ACAA1 (acetyl-CoA acyltransferase 1; minus strand). Cytogenetic location: 3p22.2.
Variant type: single nucleotide variant.
Coding change: c.6G>A on transcript NM_001607.4 (MANE Select); coding-DNA position 6, G replaced by A.
Protein change: p.Gln2=; no amino-acid change (glutamine 2 retained).
Molecular consequence: synonymous variant. On other transcripts: non-coding transcript variant (1).
Genome position (GRCh38, 1-based): chr3:38,137,030, C>T on the plus strand (G>A on the coding strand, the complement: ACAA1 is on the minus strand). VCF-style: chr3-38137030-C-T. GRCh37 (hg19) VCF-style: chr3-38178521-C-T.
Other names: c.6G>A, p.Gln2= (NM_001130410.2).
Identifiers: ClinVar variation 3042154 (VCV003042154.2), dbSNP rs759096151, ClinGen allele CA2315975.
Genomic context (GRCh38, chr3:38,137,030, plus strand): 5'-CTGCGGCATCCAGCCGGAATCGGCCGGACCCCTCAGGTGGCCCAGCACTACCTGCAGCCT[C>T]TGCATTGCGCAGGTCAACCCTGCAGACCAGCCACCAGTCCGGGAACTGACCGCGGAGTTA-3'
Protein context (NP_001598.1, residues 1-12): M[Gln2=]RLQVVLGHLR

ClinVar aggregate classification (germline): Likely benign (0 of 4 stars; one submission).

Conditions:
ACAA1-related disorder. Also called: ACAA1-related condition.

Allele frequency attached by ClinVar (database versions not stated): gnomAD 0.00003; TOPMed 0.00004; ExAC 0.00010.
gnomAD v4.1: 46 of 1,564,148 alleles (0.0029%); highest among the groups gnomAD compares: Non-Finnish European, 0.0038%; no homozygotes.

Submission:

PreventionGenetics, part of Exact Sciences
Classification: Likely benign for ACAA1-related condition. Last evaluated: 2019-05-09. Review status: no assertion criteria provided. Collection method: clinical testing. Allele origin: germline.
Comment: This variant is classified as likely benign based on ACMG/AMP sequence variant interpretation guidelines (Richards et al. 2015 PMID: 25741868, with internal and published modifications).